The following is an entry in ClinVar:

NM_000165.5(GJA1):c.682C>T (p.Leu228Phe)

Gene: GJA1 (gap junction protein alpha 1; plus strand). Cytogenetic location: 6q22.31.
Variant type: single nucleotide variant.
Coding change: c.682C>T on transcript NM_000165.5 (MANE Select); coding-DNA position 682, C replaced by T.
Protein change: p.Leu228Phe; replaces leucine 228 with phenylalanine.
Molecular consequence: missense variant.
Genome position (GRCh38, 1-based): chr6:121,447,529, C>T. VCF-style: chr6-121447529-C-T. GRCh37 (hg19) VCF-style: chr6-121768675-C-T.
Other names: short protein forms L228F.
Identifiers: ClinVar variation 2858640 (VCV002858640.3), dbSNP rs1366131369, ClinGen allele CA365559557.

ClinVar aggregate classification (germline): Uncertain significance (1 of 4 stars; one submission).

Conditions:
Oculodentodigital dysplasia, autosomal recessive. Also called: OCULODENTOOSSEOUS DYSPLASIA, AUTOSOMAL RECESSIVE; ODDD, AUTOSOMAL RECESSIVE; ODOD, AUTOSOMAL RECESSIVE. Identifiers: Orphanet 2710, MedGen C2749477, MONDO:0009768, OMIM 257850.

Allele frequency attached by ClinVar (database versions not stated): gnomAD exomes below 0.00001.
gnomAD v4.1: 3 of 1,613,616 alleles (0.00019%); highest among the groups gnomAD compares: Non-Finnish European, 0.00025%; no homozygotes.

Submission:

Labcorp Genetics (formerly Invitae), Labcorp
Classification: Uncertain significance for Oculodentodigital dysplasia, autosomal recessive. Last evaluated: 2023-02-09. Review status: criteria provided, single submitter. Criteria: Invitae Variant Classification Sherloc (09022015). Collection method: clinical testing. Allele origin: germline.
Comment: Advanced modeling of protein sequence and biophysical properties (such as structural, functional, and spatial information, amino acid conservation, physicochemical variation, residue mobility, and thermodynamic stability) performed at Invitae indicates that this missense variant is not expected to disrupt GJA1 protein function. In summary, the available evidence is currently insufficient to determine the role of this variant in disease. Therefore, it has been classified as a Variant of Uncertain Significance. This variant has not been reported in the literature in individuals affected with GJA1-related conditions. This variant is present in population databases (no rsID available, gnomAD 0.0009%). This sequence change replaces leucine, which is neutral and non-polar, with phenylalanine, which is neutral and non-polar, at codon 228 of the GJA1 protein (p.Leu228Phe).